The following is an entry in ClinVar:

NM_005045.4(RELN):c.3772T>G (p.Leu1258Val)

Gene: RELN (reelin; minus strand). Cytogenetic location: 7q22.1.
Variant type: single nucleotide variant.
Coding change: c.3772T>G on transcript NM_005045.4 (MANE Select); coding-DNA position 3772, T replaced by G.
Protein change: p.Leu1258Val; replaces leucine 1258 with valine.
Molecular consequence: missense variant.
Genome position (GRCh38, 1-based): chr7:103,593,822, A>C on the plus strand (T>G on the coding strand, the complement: RELN is on the minus strand). VCF-style: chr7-103593822-A-C. GRCh37 (hg19) VCF-style: chr7-103234269-A-C.
Other names: c.3772T>G, p.Leu1258Val (NM_173054.3); short protein forms L1258V.
Identifiers: ClinVar variation 2952551 (VCV002952551.3), dbSNP rs2484792640, ClinGen allele CA368757590.
Genomic context (GRCh38, chr7:103,593,822, plus strand): 5'-TCATTGCTGATGGTGTGGCAGCACAGAAGGTTTCATTTTTAACCATTCCTTCATTAGCCA[A>C]CATCAACCACACACTCATCTGATTCATAGGGTAATCAAAAGCTGGCTTCTCATAAAAGTT-3'
Protein context (NP_005036.2, residues 1248-1268): PMNQMSVWLM[Leu1258Val]ANEGMVKNET

ClinVar aggregate classification (germline): Uncertain significance (1 of 4 stars; one submission).

Conditions:
Norman-Roberts syndrome (LIS2). Also called: Lissencephaly 2 (Norman-Roberts type). Identifiers: Orphanet 89844, MedGen C0796089, MONDO:0009760, OMIM 257320.
Familial temporal lobe epilepsy 7. Identifiers: Orphanet 101046, MedGen C4225327, MONDO:0014639, OMIM 616436.

Submission:

Labcorp Genetics (formerly Invitae), Labcorp
Classification: Uncertain significance for Familial temporal lobe epilepsy 7; Norman-Roberts syndrome. Last evaluated: 2023-10-05. Review status: criteria provided, single submitter. Criteria: Invitae Variant Classification Sherloc (09022015). Collection method: clinical testing. Allele origin: germline.
Comment: This sequence change replaces leucine, which is neutral and non-polar, with valine, which is neutral and non-polar, at codon 1258 of the RELN protein (p.Leu1258Val). This variant is not present in population databases (gnomAD no frequency). This variant has not been reported in the literature in individuals affected with RELN-related conditions. Advanced modeling of protein sequence and biophysical properties (such as structural, functional, and spatial information, amino acid conservation, physicochemical variation, residue mobility, and thermodynamic stability) performed at Invitae indicates that this missense variant is not expected to disrupt RELN protein function. In summary, the available evidence is currently insufficient to determine the role of this variant in disease. Therefore, it has been classified as a Variant of Uncertain Significance.